The following is an entry in ClinVar:

NM_007373.4(SHOC2):c.126A>T (p.Glu42Asp)

Gene: SHOC2 (SHOC2 leucine rich repeat scaffold protein; plus strand). Cytogenetic location: 10q25.2.
Variant type: single nucleotide variant.
Coding change: c.126A>T on transcript NM_007373.4 (MANE Select); coding-DNA position 126, A replaced by T.
Protein change: p.Glu42Asp; replaces glutamic acid 42 with aspartic acid.
Molecular consequence: missense variant.
Genome position (GRCh38, 1-based): chr10:110,964,484, A>T. VCF-style: chr10-110964484-A-T. GRCh37 (hg19) VCF-style: chr10-112724242-A-T.
Other names: c.126A>T, p.Glu42Asp (NM_001269039.3, NM_001324336.2, NM_001324337.2); short protein forms E42D.
Identifiers: ClinVar variation 2200060 (VCV002200060.6), dbSNP rs2493838366, ClinGen allele CA378381638.

ClinVar aggregate classification (germline): Uncertain significance. Review status: criteria provided, multiple submitters, no conflicts (2 of 4 stars). 3 submissions from 3 submitters: Uncertain significance (3). Last evaluated 2025-07-15.

Conditions:
RASopathy. Also called: Noonan spectrum disorder; rasopathies. Identifiers: Orphanet 536391, MedGen C5555857, MONDO:0021060.
Cardiovascular phenotype. Identifiers: MedGen CN230736.

Submissions (3):

Ambry Genetics
Classification: Uncertain significance for Cardiovascular phenotype. Last evaluated: 2025-07-15. Review status: criteria provided, single submitter. Criteria: Ambry Variant Classification Scheme 2023. Collection method: clinical testing. Allele origin: germline.

GeneDx
Classification: Uncertain significance. Last evaluated: 2024-09-19. Review status: criteria provided, single submitter. Criteria: GeneDx Variant Classification Process June 2021. Collection method: clinical testing. Allele origin: germline. Affected: yes.
Comment: Not observed at significant frequency in large population cohorts (gnomAD); In silico analysis indicates that this missense variant does not alter protein structure/function; Has not been previously published as pathogenic or benign to our knowledge; This variant is associated with the following publications: (PMID: 29493581)

Labcorp Genetics (formerly Invitae), Labcorp
Classification: Uncertain significance for RASopathy. Last evaluated: 2021-12-02. Review status: criteria provided, single submitter. Criteria: Invitae Variant Classification Sherloc (09022015). Collection method: clinical testing. Allele origin: germline.
Comment: This variant is not present in population databases (gnomAD no frequency). In summary, the available evidence is currently insufficient to determine the role of this variant in disease. Therefore, it has been classified as a Variant of Uncertain Significance. Algorithms developed to predict the effect of missense changes on protein structure and function (SIFT, PolyPhen-2, Align-GVGD) all suggest that this variant is likely to be tolerated. This variant has not been reported in the literature in individuals affected with SHOC2-related conditions. This sequence change replaces glutamic acid, which is acidic and polar, with aspartic acid, which is acidic and polar, at codon 42 of the SHOC2 protein (p.Glu42Asp).